The following is an entry in ClinVar:

NC_000006.11:g.(?_71011684)_(71012627_?)del

Gene: COL9A1 (collagen type IX alpha 1 chain; minus strand). Cytogenetic location: 6q13.
Variant type: Deletion.
Identifiers: ClinVar variation 2424264 (VCV002424264.4).

ClinVar aggregate classification (germline): Pathogenic (1 of 4 stars; one submission).

Submission:

Labcorp Genetics (formerly Invitae), Labcorp
Classification: Pathogenic. Last evaluated: 2023-06-10. Review status: criteria provided, single submitter. Criteria: Invitae Variant Classification Sherloc (09022015). Collection method: clinical testing. Allele origin: germline.
Comment: For these reasons, this variant has been classified as Pathogenic. This variant has not been reported in the literature in individuals affected with COL9A1-related conditions. This variant is a gross deletion of the genomic region encompassing exon(s) 1-2 of the COL9A1 gene, which includes the initiator codon. This deletion extends beyond the assayed region for this gene and therefore may encompass additional genes. It is expected to result in an absent or disrupted protein product. Loss-of-function variants in COL9A1 are known to be pathogenic (PMID: 16909383, 21421862).

Literature cited by the submitters: PubMed 16909383; PubMed 21421862.